The following is an entry in ClinVar:

NM_001372.4(DNAH9):c.6400G>A (p.Val2134Met)

Gene: DNAH9 (dynein axonemal heavy chain 9; plus strand). Cytogenetic location: 17p12.
Variant type: single nucleotide variant.
Coding change: c.6400G>A on transcript NM_001372.4 (MANE Select); coding-DNA position 6400, G replaced by A.
Protein change: p.Val2134Met; replaces valine 2134 with methionine.
Molecular consequence: missense variant.
Genome position (GRCh38, 1-based): chr17:11,747,556, G>A. VCF-style: chr17-11747556-G-A. GRCh37 (hg19) VCF-style: chr17-11650873-G-A.
Other names: short protein forms V2134M.
Identifiers: ClinVar variation 1446708 (VCV001446708.4), dbSNP rs775970356, ClinGen allele CA8396307.

ClinVar aggregate classification (germline): Uncertain significance. Review status: criteria provided, multiple submitters, no conflicts (2 of 4 stars). 2 submissions from 2 submitters: Uncertain significance (2). Last evaluated 2024-08-07.

Allele frequency attached by ClinVar (database versions not stated): TOPMed below 0.00001; gnomAD 0.00001; ExAC 0.00002; gnomAD exomes 0.00002 and 0.00003.
gnomAD v4.1: 40 of 1,612,966 alleles (0.0025%); highest among the groups gnomAD compares: Non-Finnish European, 0.0031%; no homozygotes.

Submissions (2):

Blueprint Genetics
Classification: Uncertain significance. Last evaluated: 2024-08-07. Review status: criteria provided, single submitter. Criteria: ACMG Guidelines, 2015. Collection method: clinical testing. Allele origin: germline.

Labcorp Genetics (formerly Invitae), Labcorp
Classification: Uncertain significance. Last evaluated: 2022-10-24. Review status: criteria provided, single submitter. Criteria: Invitae Variant Classification Sherloc (09022015). Collection method: clinical testing. Allele origin: germline.
Comment: This sequence change replaces valine, which is neutral and non-polar, with methionine, which is neutral and non-polar, at codon 2134 of the DNAH9 protein (p.Val2134Met). This variant is present in population databases (rs775970356, gnomAD 0.006%). This variant has not been reported in the literature in individuals affected with DNAH9-related conditions. ClinVar contains an entry for this variant (Variation ID: 1446708). Algorithms developed to predict the effect of missense changes on protein structure and function are either unavailable or do not agree on the potential impact of this missense change (SIFT: "Deleterious"; PolyPhen-2: "Probably Damaging"; Align-GVGD: "Class C0"). Algorithms developed to predict the effect of sequence changes on RNA splicing suggest that this variant may disrupt the consensus splice site. In summary, the available evidence is currently insufficient to determine the role of this variant in disease. Therefore, it has been classified as a Variant of Uncertain Significance.